The following is an entry in ClinVar:

NM_138959.3(VANGL1):c.*1545A>G

Gene: VANGL1 (VANGL planar cell polarity protein 1; plus strand). Cytogenetic location: 1p13.1.
Variant type: single nucleotide variant.
Coding change: c.*1545A>G on transcript NM_138959.3 (MANE Select); 1545 bases downstream of the stop codon, A replaced by G.
Molecular consequence: 3 prime UTR variant.
Genome position (GRCh38, 1-based): chr1:115,692,924, A>G. VCF-style: chr1-115692924-A-G. GRCh37 (hg19) VCF-style: chr1-116235545-A-G.
Other names: c.*1545A>G (NM_001172411.2, NM_001172412.2).
Identifiers: ClinVar variation 292039 (VCV000292039.5), dbSNP rs117337677, ClinGen allele CA10607395.

ClinVar aggregate classification (germline): Conflicting classifications of pathogenicity. Review status: criteria provided, conflicting classifications (1 of 4 stars). 2 submissions from 1 submitter: Uncertain significance (1); Likely benign (1). Last evaluated 2018-01-13.

Conditions:
Sacral defect with anterior meningocele. Identifiers: MedGen C1838568, OMIM 600145.
Neural tube defect (NTD). Also called: Neural tube defects. Identifiers: Orphanet 3388, Orphanet 823, MedGen C0027794, MONDO:0018075, HP:0045005.

Allele frequency attached by ClinVar (database versions not stated): gnomAD 0.00012 and 0.00016; TOPMed 0.00020; 1000 Genomes Project 30x 0.00078; 1000 Genomes Project 0.00080.

Submissions (2):

Illumina Laboratory Services, Illumina
Classification: Uncertain significance for Neural tube defects, susceptibility to. Last evaluated: 2018-01-13. Review status: criteria provided, single submitter. Criteria: ICSL Variant Classification Criteria 13 December 2019. Collection method: clinical testing. Allele origin: germline.

Illumina Laboratory Services, Illumina
Classification: Likely benign for Sacral defect with anterior meningocele. Last evaluated: 2018-01-13. Review status: criteria provided, single submitter. Criteria: ICSL Variant Classification Criteria 13 December 2019. Collection method: clinical testing. Allele origin: germline.
Comment: This variant was observed in the ICSL laboratory as part of a predisposition screen in an ostensibly healthy population. It had not been previously curated by ICSL or reported in the Human Gene Mutation Database (HGMD: prior to June 1st, 2018), and was therefore a candidate for classification through an automated scoring system. Utilizing variant allele frequency, disease prevalence and penetrance estimates, and inheritance mode, an automated score was calculated to assess if this variant is too frequent to cause the disease. Based on the score and internal cut-off values, a variant classified as likely benign is not then subjected to further curation. The score for this variant resulted in a classification of likely benign for this disease.